The following is an entry in ClinVar:

NM_004006.3(DMD):c.5567C>A (p.Thr1856Lys)

Gene: DMD (dystrophin; minus strand). Cytogenetic location: Xp21.1.
Variant type: single nucleotide variant.
Coding change: c.5567C>A on transcript NM_004006.3 (MANE Select); coding-DNA position 5567, C replaced by A.
Protein change: p.Thr1856Lys; replaces threonine 1856 with lysine.
Molecular consequence: missense variant.
Genome position (GRCh38, 1-based): chrX:32,345,962, G>T on the plus strand (C>A on the coding strand, the complement: DMD is on the minus strand). VCF-style: chrX-32345962-G-T. GRCh37 (hg19) VCF-style: chrX-32364079-G-T.
Other names: c.5543C>A, p.Thr1848Lys (NM_000109.4); c.5555C>A, p.Thr1852Lys (NM_004009.3); c.5198C>A, p.Thr1733Lys (NM_004010.3); c.1544C>A, p.Thr515Lys (NM_004011.4); c.1535C>A, p.Thr512Lys (NM_004012.4); short protein forms T1733K, T1848K, T1852K, T1856K, T512K, T515K.
Identifiers: ClinVar variation 3610967 (VCV003610967.2).
Genomic context (GRCh38, chrX:32,345,962, plus strand): 5'-AAAACCACAGGCAAGGTATATTATAATTTTAGCTCTAATACCTTGAGAGCATTATGTTTT[G>T]TCTGTAACAGCTGCTGTTTTATCTTTATTTCCTCTCGCTTTCTCTCATCTGTGATTCTTT-3'
Protein context (NP_003997.2, residues 1846-1866): EIKIKQQLLQ[Thr1856Lys]KHNALKDLRS

ClinVar aggregate classification (germline): Uncertain significance (1 of 4 stars; one submission).

Conditions:
Duchenne muscular dystrophy (DMD). Also called: MUSCULAR DYSTROPHY, PSEUDOHYPERTROPHIC PROGRESSIVE, DUCHENNE TYPE; Duchenne Muscular Dystrophy (DMD). Identifiers: Orphanet 98896, MedGen C0013264, MONDO:0010679, OMIM 310200.

gnomAD v4.1: 2 of 1,206,417 alleles (0.00017%); highest among the groups gnomAD compares: Non-Finnish European, 0.00011%; no homozygotes.

Submission:

Labcorp Genetics (formerly Invitae), Labcorp
Classification: Uncertain significance for Duchenne muscular dystrophy. Last evaluated: 2025-12-29. Review status: criteria provided, single submitter. Criteria: Invitae Variant Classification Sherloc (09022015). Collection method: clinical testing. Allele origin: germline.
Comment: This sequence change replaces threonine, which is neutral and polar, with lysine, which is basic and polar, at codon 1856 of the DMD protein (p.Thr1856Lys). This variant is not present in population databases (gnomAD no frequency). This variant has not been reported in the literature in individuals affected with DMD-related conditions. ClinVar contains an entry for this variant (Variation ID: 3610967). Invitae Evidence Modeling of protein sequence and biophysical properties (such as structural, functional, and spatial information, amino acid conservation, physicochemical variation, residue mobility, and thermodynamic stability) indicates that this missense variant is not expected to disrupt DMD protein function with a negative predictive value of 95%. In summary, the available evidence is currently insufficient to determine the role of this variant in disease. Therefore, it has been classified as a Variant of Uncertain Significance.